The following is an entry in ClinVar:

ClinVar aggregate classification (germline): Uncertain significance (1 of 4 stars; one submission).

Conditions:
Autosomal dominant nonsyndromic hearing loss 65. Also called: Deafness, autosomal dominant 65; TBC1D24-Related Autosomal Dominant Nonsyndromic Hearing Loss (DFNA). Identifiers: Orphanet 90635, MedGen C3892048, MONDO:0014470, OMIM 616044.
Developmental and epileptic encephalopathy, 1 (DEE1). Also called: INFANTILE SPASM SYNDROME, X-LINKED 1; X-linked infantile spasms; West's syndrome; Tonic spasms with clustering, arrest of psychomotor development and hypsarrhythmia on EEG; X-Linked Infantile Spasm Syndrome; OHTAHARA SYNDROME, X-LINKED. Identifiers: MedGen C3463992, MONDO:0010632, OMIM 308350. Disease mechanism: loss of function.

Submission:

Labcorp Genetics (formerly Invitae), Labcorp
Classification: Uncertain significance for Developmental and epileptic encephalopathy, 1; Autosomal dominant nonsyndromic hearing loss 65. Last evaluated: 2026-01-26. Review status: criteria provided, single submitter. Criteria: Invitae Variant Classification Sherloc (09022015). Collection method: clinical testing. Allele origin: germline.
Comment: This variant, c.1272_1274del, results in the deletion of 1 amino acid(s) of the TBC1D24 protein (p.Phe425del), but otherwise preserves the integrity of the reading frame. This variant is not present in population databases (gnomAD no frequency). This variant has not been reported in the literature in individuals affected with TBC1D24-related conditions. Experimental studies and prediction algorithms are not available or were not evaluated, and the functional significance of this variant is currently unknown. Algorithms developed to predict the effect of sequence changes on RNA splicing suggest that this variant may disrupt the consensus splice site. In summary, the available evidence is currently insufficient to determine the role of this variant in disease. Therefore, it has been classified as a Variant of Uncertain Significance.

NM_001199107.2(TBC1D24):c.1269CTT[1] (p.Phe425del)

Gene: TBC1D24 (TBC1 domain family member 24; plus strand). Cytogenetic location: 16p13.3.
Variant type: Microsatellite.
Coding change: c.1269CTT[1] on transcript NM_001199107.2 (MANE Select); one copy of the 3-base unit CTT starting at c.1269; the reference has two copies in a row; one copy, 3 bases deleted.
Protein change: p.Phe425del; deletes phenylalanine 425.
Genome position (GRCh38, 1-based): chr16:2,499,900-2,499,902, CTT deleted; deleting any 3 consecutive bases within chr16:2,499,897-2,499,902 gives the same sequence; the position shown is the placement nearest the transcript's 3' end. VCF-style (leftmost placement, unchanged base first): chr16-2499896-GCTT-G. GRCh37 (hg19) VCF-style: chr16-2549897-GCTT-G.
Other names: c.1251CTT[1], p.Phe419del (NM_020705.3); short protein forms F419del, F425del.
Identifiers: ClinVar variation 4812589 (VCV004812589.1).
Genomic context (GRCh38, chr16:2,499,896, plus strand): 5'-TGTGTGGTGCTTACCTGTCCACAGACTGGAGTGAGAGAAATAAGTTTGGAGGCAAACTGG[GCTT>G]CTTTGGGACCGGAGAATGCTTTGTGTTTAGGGTGAGTGGGGCCAAGTGTCCCCAAACCCC-3'